The following is an entry in ClinVar:

NM_001430.5(EPAS1):c.2456T>C (p.Val819Ala)

Gene: EPAS1 (endothelial PAS domain protein 1; plus strand). Cytogenetic location: 2p21.
Variant type: single nucleotide variant.
Coding change: c.2456T>C on transcript NM_001430.5 (MANE Select); coding-DNA position 2456, T replaced by C.
Protein change: p.Val819Ala; replaces valine 819 with alanine.
Molecular consequence: missense variant.
Genome position (GRCh38, 1-based): chr2:46,382,593, T>C. VCF-style: chr2-46382593-T-C. GRCh37 (hg19) VCF-style: chr2-46609732-T-C.
Other names: short protein forms V819A.
Identifiers: ClinVar variation 2565045 (VCV002565045.2), dbSNP rs1572650832, ClinGen allele CA346706475.
Genomic context (GRCh38, chr2:46,382,593, plus strand): 5'-TCCCCCCACAGTGCTACGCCACCCAGTACCAGGACTACAGCCTGTCGTCAGCCCACAAGG[T>C]GTCAGGTGGGTGTGCCCAGGATCTGTCACCCCCATCCCAGGATTCGATGCCAGGGGAAGC-3'
Protein context (NP_001421.2, residues 809-829): QDYSLSSAHK[Val819Ala]SGMASRLLGP

ClinVar aggregate classification (germline): Uncertain significance (1 of 4 stars; one submission).

Conditions:
Inborn genetic diseases. Identifiers: MedGen C0950123, MeSH D030342.

Allele frequency attached by ClinVar (database versions not stated): gnomAD exomes below 0.00001.
gnomAD v4.1: 1 of 1,613,998 alleles (0.000062%); highest among the groups gnomAD compares: South Asian, 0.0011%; no homozygotes.

Submission:

Ambry Genetics
Classification: Uncertain significance for Inborn genetic diseases. Last evaluated: 2023-03-27. Review status: criteria provided, single submitter. Criteria: Ambry Variant Classification Scheme 2023. Collection method: clinical testing. Allele origin: germline.
Comment: The p.V819A variant (also known as c.2456T>C), located in coding exon 15 of the EPAS1 gene, results from a T to C substitution at nucleotide position 2456. The valine at codon 819 is replaced by alanine, an amino acid with similar properties. This amino acid position is conserved. In addition, this alteration is predicted to be tolerated by in silico analysis. Since supporting evidence is limited at this time, the clinical significance of this alteration remains unclear.